The following is an entry in ClinVar:

ClinVar aggregate classification (germline): Benign/Likely benign. Review status: criteria provided, multiple submitters, no conflicts (2 of 4 stars). 4 submissions from 4 submitters: Benign (1); Likely benign (2). 1 of the submissions does not count toward it. Last evaluated 2025-11-01.

Conditions:
ELP4-related disorder. Also called: ELP4-related condition.

Allele frequency attached by ClinVar (database versions not stated): 1000 Genomes Project 30x 0.00047; 1000 Genomes Project 0.00060; TOPMed 0.00230; ESP Exome Variant Server 0.00247; gnomAD 0.00256 and 0.00265; gnomAD exomes 0.00264; ExAC 0.00276.
gnomAD v4.1: 5,682 of 1,611,180 alleles (0.35%); highest among the groups gnomAD compares: Non-Finnish European, 0.44%; 10 homozygotes.

Submissions (4):

CeGaT Center for Human Genetics Tuebingen
Classification: Benign. Last evaluated: 2025-11-01. Review status: criteria provided, single submitter. Criteria: CeGaT Center For Human Genetics Tuebingen Variant Classification Criteria Version 2. Collection method: clinical testing. Allele origin: germline. Affected: yes. Observed: 2 variant alleles.
Comment: ELP4: BP4, BS1, BS2

Labcorp Genetics (formerly Invitae), Labcorp
Classification: Likely benign. Last evaluated: 2025-10-02. Review status: criteria provided, single submitter. Criteria: Invitae Variant Classification Sherloc (09022015). Collection method: clinical testing. Allele origin: germline.

Breakthrough Genomics
Classification: Likely benign. Review status: criteria provided, single submitter. Criteria: ACMG Guidelines, 2015. Collection method: not provided. Allele origin: germline. Inheritance: Autosomal dominant inheritance. Affected: yes.

PreventionGenetics, part of Exact Sciences
Classification: Benign for ELP4-related condition. Last evaluated: 2020-01-20. Review status: no assertion criteria provided. Collection method: clinical testing. Allele origin: germline. Not counted in ClinVar's aggregate classification.
Comment: This variant is classified as benign based on ACMG/AMP sequence variant interpretation guidelines (Richards et al. 2015 PMID: 25741868, with internal and published modifications).

NM_019040.5(ELP4):c.572C>A (p.Pro191Gln)

Gene: ELP4 (elongator acetyltransferase complex subunit 4; plus strand). Cytogenetic location: 11p13.
Variant type: single nucleotide variant.
Coding change: c.572C>A on transcript NM_019040.5 (MANE Select); coding-DNA position 572, C replaced by A.
Protein change: p.Pro191Gln; replaces proline 191 with glutamine.
Molecular consequence: missense variant.
Genome position (GRCh38, 1-based): chr11:31,603,826, C>A. VCF-style: chr11-31603826-C-A. GRCh37 (hg19) VCF-style: chr11-31625373-C-A.
Other names: c.572C>A, p.Pro191Gln (NM_001288726.2); c.575C>A, p.Pro192Gln (NM_001288725.2); short protein forms P192Q, P191Q.
Identifiers: ClinVar variation 707203 (VCV000707203.33), dbSNP rs201699595, ClinGen allele CA5933303.